The following is an entry in ClinVar:

ClinVar aggregate classification (germline): Uncertain significance. Review status: criteria provided, multiple submitters, no conflicts (2 of 4 stars). 2 submissions from 2 submitters: Uncertain significance (2). Last evaluated 2025-06-24.

Conditions:
Cerebral creatine deficiency syndrome. Also called: Creatine deficiency syndromes. Identifiers: Orphanet 79172, MedGen C5244016, MONDO:0000456.

Allele frequency attached by ClinVar (database versions not stated): gnomAD 0.00001; TOPMed 0.00001.
gnomAD v4.1: 2 of 1,613,144 alleles (0.00012%); highest among the groups gnomAD compares: African/African-American, 0.0027%; no homozygotes.

Submissions (2):

GeneDx
Classification: Uncertain significance. Last evaluated: 2025-06-24. Review status: criteria provided, single submitter. Criteria: GeneDx Variant Classification Process June 2021. Collection method: clinical testing. Allele origin: germline. Affected: yes.
Comment: Not observed at significant frequency in large population cohorts (gnomAD); In silico analysis suggests that this missense variant does not alter protein structure/function; Has not been previously published as pathogenic or benign to our knowledge

Labcorp Genetics (formerly Invitae), Labcorp
Classification: Uncertain significance for Cerebral creatine deficiency syndrome. Last evaluated: 2022-06-23. Review status: criteria provided, single submitter. Criteria: Invitae Variant Classification Sherloc (09022015). Collection method: clinical testing. Allele origin: germline.
Comment: This sequence change replaces glutamic acid, which is acidic and polar, with aspartic acid, which is acidic and polar, at codon 118 of the GAMT protein (p.Glu118Asp). This variant is present in population databases (no rsID available, gnomAD 0.01%). This variant has not been reported in the literature in individuals affected with GAMT-related conditions. ClinVar contains an entry for this variant (Variation ID: 958097). Algorithms developed to predict the effect of missense changes on protein structure and function are either unavailable or do not agree on the potential impact of this missense change (SIFT: "Deleterious"; PolyPhen-2: "Possibly Damaging"; Align-GVGD: "Class C0"). In summary, the available evidence is currently insufficient to determine the role of this variant in disease. Therefore, it has been classified as a Variant of Uncertain Significance.

NM_000156.6(GAMT):c.354G>C (p.Glu118Asp)

Gene: GAMT (guanidinoacetate N-methyltransferase; minus strand). Cytogenetic location: 19p13.3.
Variant type: single nucleotide variant.
Coding change: c.354G>C on transcript NM_000156.6 (MANE Select); coding-DNA position 354, G replaced by C.
Protein change: p.Glu118Asp; replaces glutamic acid 118 with aspartic acid.
Molecular consequence: missense variant.
Genome position (GRCh38, 1-based): chr19:1,399,561, C>G on the plus strand (G>C on the coding strand, the complement: GAMT is on the minus strand). VCF-style: chr19-1399561-C-G. GRCh37 (hg19) VCF-style: chr19-1399560-C-G.
Other names: c.354G>C, p.Glu118Asp (NM_138924.3); c.354G>C (NM_000156.4); short protein forms E118D.
Identifiers: ClinVar variation 958097 (VCV000958097.8), dbSNP rs1180941527, ClinGen allele CA402995730.